The following is an entry in ClinVar:

ClinVar aggregate classification (germline): Likely benign (1 of 4 stars; one submission).

gnomAD v4.1: 4 of 1,608,462 alleles (0.00025%); highest among the groups gnomAD compares: Admixed American, 0.0017%; no homozygotes.

Submission:

CeGaT Center for Human Genetics Tuebingen
Classification: Likely benign. Last evaluated: 2025-10-01. Review status: criteria provided, single submitter. Criteria: CeGaT Center For Human Genetics Tuebingen Variant Classification Criteria Version 2. Collection method: clinical testing. Allele origin: germline. Affected: yes. Observed: 1 variant allele.
Comment: ZBTB7A: BP4, BP7

NM_015898.4(ZBTB7A):c.87G>A (p.Thr29=)

Gene: ZBTB7A (zinc finger and BTB domain containing 7A; minus strand). Cytogenetic location: 19p13.3.
Variant type: single nucleotide variant.
Coding change: c.87G>A on transcript NM_015898.4 (MANE Select); coding-DNA position 87, G replaced by A.
Protein change: p.Thr29=; no amino-acid change (threonine 29 retained).
Molecular consequence: synonymous variant.
Genome position (GRCh38, 1-based): chr19:4,055,146, C>T on the plus strand (G>A on the coding strand, the complement: ZBTB7A is on the minus strand). VCF-style: chr19-4055146-C-T. GRCh37 (hg19) VCF-style: chr19-4055144-C-T.
Other names: c.87G>A, p.Thr29= (NM_001317990.2).
Identifiers: ClinVar variation 4534493 (VCV004534493.6).
Genomic context (GRCh38, chr19:4,055,146, plus strand): 5'-GCGGTGCGTGGGGAACTCGCGGCCCTCCACCAGGATCACCACGTCGCACAGCAGGCCCTG[C>T]GTCCGCTGCTCGTTCAGCCCACTCAGGATGTCGCTGCTGTGGTCGGGGAACGGGATCCCG-3'
Protein context (NP_056982.1, residues 19-39): DILSGLNEQR[Thr29=]QGLLCDVVIL